The following is an entry in ClinVar:

ClinVar aggregate classification (germline): Uncertain significance (1 of 4 stars; one submission).

Allele frequency attached by ClinVar (database versions not stated): ExAC 0.00001; gnomAD exomes 0.00001; TOPMed 0.00001; gnomAD 0.00003; ESP Exome Variant Server 0.00008.
gnomAD v4.1: 9 of 1,612,672 alleles (0.00056%); highest among the groups gnomAD compares: African/African-American, 0.011%; no homozygotes.

Submission:

Labcorp Genetics (formerly Invitae), Labcorp
Classification: Uncertain significance. Last evaluated: 2022-04-29. Review status: criteria provided, single submitter. Criteria: Invitae Variant Classification Sherloc (09022015). Collection method: clinical testing. Allele origin: germline.
Comment: This sequence change replaces valine, which is neutral and non-polar, with leucine, which is neutral and non-polar, at codon 2363 of the ASPM protein (p.Val2363Leu). This variant is present in population databases (rs373863699, gnomAD 0.01%). This variant has not been reported in the literature in individuals affected with ASPM-related conditions. Algorithms developed to predict the effect of missense changes on protein structure and function output the following: SIFT: "Deleterious"; PolyPhen-2: "Benign"; Align-GVGD: "Class C0". The leucine amino acid residue is found in multiple mammalian species, which suggests that this missense change does not adversely affect protein function. In summary, the available evidence is currently insufficient to determine the role of this variant in disease. Therefore, it has been classified as a Variant of Uncertain Significance.

NM_018136.5(ASPM):c.7087G>T (p.Val2363Leu)

Gene: ASPM (assembly factor for spindle microtubules; minus strand). Cytogenetic location: 1q31.3.
Variant type: single nucleotide variant.
Coding change: c.7087G>T on transcript NM_018136.5 (MANE Select); coding-DNA position 7087, G replaced by T.
Protein change: p.Val2363Leu; replaces valine 2363 with leucine.
Molecular consequence: missense variant. On other transcripts: intron variant (1).
Genome position (GRCh38, 1-based): chr1:197,102,164, C>A on the plus strand (G>T on the coding strand, the complement: ASPM is on the minus strand). VCF-style: chr1-197102164-C-A. GRCh37 (hg19) VCF-style: chr1-197071294-C-A.
Other names: c.4066-6000G>T (NM_001206846.2); short protein forms V2363L.
Identifiers: ClinVar variation 1957579 (VCV001957579.5), dbSNP rs373863699, ClinGen allele CA1309457.